The following is an entry in ClinVar:

ClinVar aggregate classification (germline): Uncertain significance (1 of 4 stars; one submission).

Conditions:
Inborn genetic diseases. Identifiers: MedGen C0950123, MeSH D030342.

Submission:

Ambry Genetics
Classification: Uncertain significance for Inborn genetic diseases. Last evaluated: 2025-02-03. Review status: criteria provided, single submitter. Criteria: Ambry Variant Classification Scheme 2023. Collection method: clinical testing. Allele origin: germline.
Comment: The p.G24A variant (also known as c.71G>C), located in coding exon 2 of the PAX5 gene, results from a G to C substitution at nucleotide position 71. The glycine at codon 24 is replaced by alanine, an amino acid with similar properties. This amino acid position is conserved. In addition, this alteration is predicted to be deleterious by in silico analysis. Based on the available evidence, the clinical significance of this variant remains unclear.

NM_016734.3(PAX5):c.71G>C (p.Gly24Ala)

Gene: PAX5 (paired box 5; minus strand). Cytogenetic location: 9p13.2.
Variant type: single nucleotide variant.
Coding change: c.71G>C on transcript NM_016734.3 (MANE Select); coding-DNA position 71, G replaced by C.
Protein change: p.Gly24Ala; replaces glycine 24 with alanine.
Molecular consequence: missense variant. On other transcripts: non-coding transcript variant (2), intron variant (2).
Genome position (GRCh38, 1-based): chr9:37,020,777, C>G on the plus strand (G>C on the coding strand, the complement: PAX5 is on the minus strand). VCF-style: chr9-37020777-C-G. GRCh37 (hg19) VCF-style: chr9-37020774-C-G.
Other names: c.71G>C, p.Gly24Ala (NM_001280547.2, NM_001280548.2, NM_001280549.2 and 5 more transcripts); c.-112-5583G>C (NM_001280551.2, NM_001280556.2); short protein forms G24A.
Identifiers: ClinVar variation 3885941 (VCV003885941.1).